The following is an entry in ClinVar:

NM_001282225.2(ADA2):c.1007A>G (p.Asp336Gly)

Gene: ADA2 (adenosine deaminase 2; minus strand). Cytogenetic location: 22q11.1.
Variant type: single nucleotide variant.
Coding change: c.1007A>G on transcript NM_001282225.2 (MANE Select); coding-DNA position 1007, A replaced by G.
Protein change: p.Asp336Gly; replaces aspartic acid 336 with glycine.
Molecular consequence: missense variant.
Genome position (GRCh38, 1-based): chr22:17,188,413, T>C on the plus strand (A>G on the coding strand, the complement: ADA2 is on the minus strand). VCF-style: chr22-17188413-T-C. GRCh37 (hg19) VCF-style: chr22-17669303-T-C.
Other names: c.1007A>G, p.Asp336Gly (NM_001282226.2); c.881A>G, p.Asp294Gly (NM_001282227.2, NM_001282228.2); c.647A>G, p.Asp216Gly (NM_001282229.2); c.284A>G, p.Asp95Gly (NM_177405.3); short protein forms D216G, D294G, D336G, D95G.
Identifiers: ClinVar variation 658117 (VCV000658117.12), dbSNP rs377213003, ClinGen allele CA10088000.

ClinVar aggregate classification (germline): Uncertain significance. Review status: criteria provided, multiple submitters, no conflicts (2 of 4 stars). 2 submissions from 2 submitters: Uncertain significance (2). Last evaluated 2025-05-27.

Conditions:
Sneddon syndrome (SNDNS). Also called: LIVEDO RETICULARIS AND CEREBROVASCULAR ACCIDENTS; Idiopathic livedo reticularis with systemic involvement. Identifiers: Orphanet 820, MedGen C0282492, MONDO:0008436, OMIM 182410.
Deficiency of adenosine deaminase 2. Also called: Polyarteritis nodosa, childhoood-onset; Adenosine Deaminase 2 Deficiency; VASCULITIS, AUTOINFLAMMATION, IMMUNODEFICIENCY, AND HEMATOLOGIC DEFECTS SYNDROME. Identifiers: Orphanet 404553, MedGen C3887654, MONDO:0014306, OMIM 615688, MONDO:0100317.

Allele frequency attached by ClinVar (database versions not stated): TOPMed below 0.00001; ExAC 0.00001; gnomAD 0.00001; gnomAD exomes 0.00001; ESP Exome Variant Server 0.00008.
gnomAD v4.1: 10 of 1,613,672 alleles (0.00062%); highest among the groups gnomAD compares: Non-Finnish European, 0.00085%; no homozygotes.

Submissions (2):

Labcorp Genetics (formerly Invitae), Labcorp
Classification: Uncertain significance for Deficiency of adenosine deaminase 2. Last evaluated: 2025-05-27. Review status: criteria provided, single submitter. Criteria: Invitae Variant Classification Sherloc (09022015). Collection method: clinical testing. Allele origin: germline.
Comment: This sequence change replaces aspartic acid, which is acidic and polar, with glycine, which is neutral and non-polar, at codon 336 of the ADA2 protein (p.Asp336Gly). This variant is present in population databases (rs377213003, gnomAD 0.002%). This variant has not been reported in the literature in individuals affected with ADA2-related conditions. ClinVar contains an entry for this variant (Variation ID: 658117). Invitae Evidence Modeling of protein sequence and biophysical properties (such as structural, functional, and spatial information, amino acid conservation, physicochemical variation, residue mobility, and thermodynamic stability) has been performed for this missense variant. However, the output from this modeling did not meet the statistical confidence thresholds required to predict the impact of this variant on ADA2 protein function. In summary, the available evidence is currently insufficient to determine the role of this variant in disease. Therefore, it has been classified as a Variant of Uncertain Significance.

Fulgent Genetics
Classification: Uncertain significance for Sneddon syndrome; Deficiency of adenosine deaminase 2. Last evaluated: 2021-08-19. Review status: criteria provided, single submitter. Criteria: ACMG Guidelines, 2015. Collection method: clinical testing. Allele origin: unknown.